The following is an entry in ClinVar:

ClinVar aggregate classification (germline): Pathogenic (1 of 4 stars; one submission).

Conditions:
Cardiovascular phenotype. Identifiers: MedGen CN230736.

Submission:

Ambry Genetics
Classification: Pathogenic for Cardiovascular phenotype. Last evaluated: 2022-06-13. Review status: criteria provided, single submitter. Criteria: Ambry Variant Classification Scheme 2023. Collection method: clinical testing. Allele origin: germline.
Comment: The c.58_71del14insCCTC pathogenic mutation, located in coding exon 1 of the LPL gene, results from the deletion of 14 nucleotides and insertion of 4 nucleotides causing a translational frameshift with a predicted alternate stop codon (p.A20Pfs*21). This alteration is expected to result in loss of function by premature protein truncation or nonsense-mediated mRNA decay. As such, this alteration is interpreted as a disease-causing mutation.

NM_000237.3(LPL):c.58_71delinsCCTC (p.Ala20fs)

Gene: LPL (lipoprotein lipase; plus strand). Cytogenetic location: 8p21.3.
Variant type: Indel.
Coding change: c.58_71delinsCCTC on transcript NM_000237.3 (MANE Select); coding-DNA positions 58 to 71, GCCTCCCGCGGAGG replaced by CCTC.
Protein change: p.Ala20fs; shifts the reading frame from alanine 20.
Molecular consequence: frameshift variant.
Genome position (GRCh38, 1-based): chr8:19,939,498-19,939,511, GCCTCCCGCGGAGG replaced by CCTC. VCF-style: chr8-19939498-GCCTCCCGCGGAGG-CCTC. GRCh37 (hg19) VCF-style: chr8-19797009-GCCTCCCGCGGAGG-CCTC.
Other names: short protein forms A20fs.
Identifiers: ClinVar variation 1749778 (VCV001749778.2), dbSNP rs2540092267, ClinGen allele CA2580078042.